The following is an entry in ClinVar:

NM_001164760.2(PRKAR1B):c.861G>T (p.Glu287Asp)

Gene: PRKAR1B (protein kinase cAMP-dependent type I regulatory subunit beta; minus strand). Cytogenetic location: 7p22.3.
Variant type: single nucleotide variant.
Coding change: c.861G>T on transcript NM_001164760.2 (MANE Select); coding-DNA position 861, G replaced by T.
Protein change: p.Glu287Asp; replaces glutamic acid 287 with aspartic acid.
Molecular consequence: missense variant.
Genome position (GRCh38, 1-based): chr7:579,286, C>A on the plus strand (G>T on the coding strand, the complement: PRKAR1B is on the minus strand). VCF-style: chr7-579286-C-A. GRCh37 (hg19) VCF-style: chr7-618923-C-A.
Other names: c.861G>T, p.Glu287Asp (NM_001164758.2, NM_001164759.1, NM_001164761.2 and 2 more transcripts); short protein forms E287D.
Identifiers: ClinVar variation 5020864 (VCV005020864.1).

ClinVar aggregate classification (germline): Uncertain significance (1 of 4 stars; one submission).

Submission:

Dasa
Classification: Uncertain significance. Last evaluated: 2026-08-01. Review status: criteria provided, single submitter. Criteria: DASA Assertion Criteria. Collection method: clinical testing. Allele origin: germline.
Comment: NM_001164760.2(PRKAR1B):c.861G>T (p.Glu287Asp) is a missense variant that results in the substitution of glutamic acid with aspartic acid. This variant is rare in population databases. The currently available literature and clinical evidence are not sufficient to establish a definitive association between this variant and the reported condition. Therefore, this variant is classified as a variant of uncertain significance.